The following is an entry in ClinVar:

NM_001002294.3(FMO3):c.1045G>T (p.Glu349Ter)

Gene: FMO3 (flavin containing dimethylaniline monoxygenase 3; plus strand). Cytogenetic location: 1q24.3.
Variant type: single nucleotide variant.
Coding change: c.1045G>T on transcript NM_001002294.3 (MANE Select); coding-DNA position 1045, G replaced by T.
Protein change: p.Glu349Ter; replaces glutamic acid 349 with a stop codon.
Molecular consequence: nonsense.
Genome position (GRCh38, 1-based): chr1:171,114,224, G>T. VCF-style: chr1-171114224-G-T. GRCh37 (hg19) VCF-style: chr1-171083364-G-T.
Other names: c.985G>T, p.Glu329Ter (NM_001319173.2); c.856G>T, p.Glu286Ter (NM_001319174.2); c.1045G>T, p.Glu349Ter (NM_006894.6); short protein forms E329*, E286*, E349*.
Identifiers: ClinVar variation 3640617 (VCV003640617.3).

ClinVar aggregate classification (germline): Pathogenic. Review status: criteria provided, multiple submitters, no conflicts (2 of 4 stars). 2 submissions from 2 submitters: Pathogenic (2). Last evaluated 2024-05-14.

Conditions:
Trimethylaminuria (TMAU). Also called: FISH-ODOR SYNDROME; Fish malodor syndrome; Stale fish syndrome; TMAuria; Primary Trimethylaminuria. Identifiers: MedGen C0342739, MONDO:0011182, OMIM 602079, HP:0003614. Disease mechanism: loss of function.

gnomAD v4.1: 1 of 1,613,954 alleles (0.000062%); highest among the groups gnomAD compares: Non-Finnish European, 0.000085%; no homozygotes.

Submissions (2):

Myriad Genetics, Inc.
Classification: Pathogenic for Trimethylaminuria. Last evaluated: 2024-05-14. Review status: criteria provided, single submitter. Criteria: Myriad Autosomal Dominant, Autosomal Recessive and X-Linked Classification Criteria (2023). Collection method: clinical testing. Allele origin: unknown.
Comment: NM_001002294.2(FMO3):c.1045G>T(E349*) is expected to be pathogenic in the context of primary trimethylaminuria. This variant is predicted to lead to an abnormal or absent protein product due to the creation of a premature termination codon in FMO3, a gene where loss-of-function variants are known to be pathogenic. Please note: this variant was assessed in the context of healthy population screening.

Labcorp Genetics (formerly Invitae), Labcorp
Classification: Pathogenic. Last evaluated: 2024-03-10. Review status: criteria provided, single submitter. Criteria: Invitae Variant Classification Sherloc (09022015). Collection method: clinical testing. Allele origin: germline.
Comment: This sequence change creates a premature translational stop signal (p.Glu349*) in the FMO3 gene. It is expected to result in an absent or disrupted protein product. Loss-of-function variants in FMO3 are known to be pathogenic (PMID: 20301282). This variant is not present in population databases (gnomAD no frequency). This variant has not been reported in the literature in individuals affected with FMO3-related conditions. Algorithms developed to predict the effect of sequence changes on RNA splicing suggest that this variant may disrupt the consensus splice site. For these reasons, this variant has been classified as Pathogenic.

Literature cited by the submitters: PubMed 20301282 (cited by Labcorp Genetics (formerly Invitae), Labcorp).